The following is an entry in ClinVar:

NM_001267550.2(TTN):c.92979A>G (p.Lys30993=)

Genes: TTN-AS1 (TTN antisense RNA 1; plus strand), TTN (titin; minus strand). Cytogenetic location: 2q31.2.
Variant type: single nucleotide variant.
Coding change: c.92979A>G on transcript NM_001267550.2 (MANE Select); coding-DNA position 92979, A replaced by G.
Protein change: p.Lys30993=; no amino-acid change (lysine 30993 retained).
Molecular consequence: synonymous variant.
Genome position (GRCh38, 1-based): chr2:178,548,647, T>C on the plus strand (A>G on the coding strand, the complement: TTN is on the minus strand). VCF-style: chr2-178548647-T-C. GRCh37 (hg19) VCF-style: chr2-179413374-T-C.
Other names: c.88056A>G, p.Lys29352= (NM_001256850.1); c.65784A>G, p.Lys21928= (NM_003319.4); c.85275A>G, p.Lys28425= (NM_133378.4); c.66159A>G, p.Lys22053= (NM_133432.3); c.66360A>G, p.Lys22120= (NM_133437.4).
Identifiers: ClinVar variation 1660197 (VCV001660197.10), dbSNP rs754893239, ClinGen allele CA1987372.

ClinVar aggregate classification (germline): Likely benign. Review status: criteria provided, multiple submitters, no conflicts (2 of 4 stars). 3 submissions from 3 submitters: Likely benign (3). Last evaluated 2026-01-12.

Conditions:
Cardiovascular phenotype. Identifiers: MedGen CN230736.
Autosomal recessive limb-girdle muscular dystrophy type 2J (LGMDR10). Also called: Limb-girdle muscular dystrophy, type 2J; MUSCULAR DYSTROPHY, LIMB-GIRDLE, AUTOSOMAL RECESSIVE 10. Identifiers: Orphanet 140922, MedGen C1837342, MONDO:0012127, OMIM 608807.
Dilated cardiomyopathy 1G (CMD1G). Identifiers: Orphanet 154, MedGen C1858763, MONDO:0011400, OMIM 604145.

Allele frequency attached by ClinVar (database versions not stated): gnomAD exomes below 0.00001; ExAC 0.00001; gnomAD 0.00001; TOPMed 0.00001.
gnomAD v4.1: 2 of 1,613,776 alleles (0.00012%); highest among the groups gnomAD compares: African/African-American, 0.0027%; no homozygotes.

Submissions (3):

Women's Health and Genetics/Laboratory Corporation of America, LabCorp
Classification: Likely benign. Last evaluated: 2026-01-12. Review status: criteria provided, single submitter. Criteria: LabCorp Variant Classification Summary - May 2015. Collection method: clinical testing. Allele origin: germline.
Comment: Variant summary: TTN c.85275A>G alters a conserved nucleotide resulting in a synonymous change. Consensus agreement among computation tools predict no significant impact on normal splicing. However, these predictions have yet to be confirmed by functional studies. The variant allele was found at a frequency of 4e-06 in 248448 control chromosomes. The available data on variant occurrences in the general population are insufficient to allow any conclusion about variant significance. To our knowledge, no occurrence of c.85275A>G in individuals affected with TTN-related conditions and no experimental evidence demonstrating its impact on protein function have been reported. ClinVar contains an entry for this variant (Variation ID: 1660197). Based on the evidence outlined above, the variant was classified as likely benign.

Ambry Genetics
Classification: Likely benign for Cardiovascular phenotype. Last evaluated: 2023-12-20. Review status: criteria provided, single submitter. Criteria: Ambry Variant Classification Scheme 2023. Collection method: clinical testing. Allele origin: germline.

Labcorp Genetics (formerly Invitae), Labcorp
Classification: Likely benign for Dilated cardiomyopathy 1G; Autosomal recessive limb-girdle muscular dystrophy type 2J. Last evaluated: 2020-12-09. Review status: criteria provided, single submitter. Criteria: Invitae Variant Classification Sherloc (09022015). Collection method: clinical testing. Allele origin: germline.